The following is an entry in ClinVar:

ClinVar aggregate classification (germline): Likely pathogenic (1 of 4 stars; one submission).

Conditions:
Joubert syndrome. Also called: CEREBELLOPARENCHYMAL DISORDER IV; JOUBERT-BOLTSHAUSER SYNDROME; Familial aplasia of the vermis. Identifiers: Orphanet 475, MedGen C5979921, MONDO:0018772.
Nephronophthisis. Also called: Juvenile Nephronophthisis. Identifiers: Orphanet 655, MedGen C0687120, MONDO:0019005, HP:0000090.
Meckel-Gruber syndrome. Also called: DYSENCEPHALIA SPLANCHNOCYSTICA; GRUBER SYNDROME; Dysencephalia splachnocystica. Identifiers: Orphanet 564, MedGen C0265215, MONDO:0018921.

Allele frequency attached by ClinVar (database versions not stated): ExAC 0.00001; ESP Exome Variant Server 0.00009.

Submission:

Labcorp Genetics (formerly Invitae), Labcorp
Classification: Likely pathogenic for Joubert syndrome; Meckel-Gruber syndrome; Nephronophthisis. Last evaluated: 2022-02-17. Review status: criteria provided, single submitter. Criteria: Invitae Variant Classification Sherloc (09022015). Collection method: clinical testing. Allele origin: germline.
Comment: Algorithms developed to predict the effect of sequence changes on RNA splicing suggest that this variant may disrupt the consensus splice site. In summary, the currently available evidence indicates that the variant is pathogenic, but additional data are needed to prove that conclusively. Therefore, this variant has been classified as Likely Pathogenic. This variant has not been reported in the literature in individuals affected with CEP290-related conditions. The frequency data for this variant in the population databases is considered unreliable, as metrics indicate poor data quality at this position in the gnomAD database. This sequence change affects an acceptor splice site in intron 38 of the CEP290 gene. It is expected to disrupt RNA splicing. Variants that disrupt the donor or acceptor splice site typically lead to a loss of protein function (PMID: 16199547), and loss-of-function variants in CEP290 are known to be pathogenic (PMID: 16909394, 17345604, 20690115).

Literature cited by the submitters: PubMed 16199547; PubMed 16909394; PubMed 17345604; PubMed 20690115.

NM_025114.4(CEP290):c.5227-2A>G

Gene: CEP290 (centrosomal protein 290; minus strand). Cytogenetic location: 12q21.32.
Variant type: single nucleotide variant.
Coding change: c.5227-2A>G on transcript NM_025114.4 (MANE Select); the canonical splice acceptor site of the intron before coding-DNA position 5227, A replaced by G.
Molecular consequence: splice acceptor variant.
Genome position (GRCh38, 1-based): chr12:88,079,231, T>C on the plus strand (A>G on the coding strand, the complement: CEP290 is on the minus strand). VCF-style: chr12-88079231-T-C. GRCh37 (hg19) VCF-style: chr12-88473008-T-C.
Identifiers: ClinVar variation 2093222 (VCV002093222.4), dbSNP rs367676646, ClinGen allele CA6711755.